The following is an entry in ClinVar:

ClinVar aggregate classification (germline): Uncertain significance (1 of 4 stars; one submission).

Conditions:
WDPCP-related disorder. Also called: WDPCP-related condition.

gnomAD v4.1: 3 of 152,226 alleles (0.002%); highest among the groups gnomAD compares: Non-Finnish European, 0.0029%; no homozygotes.

Submission:

PreventionGenetics, part of Exact Sciences
Classification: Uncertain significance for WDPCP-related condition. Last evaluated: 2025-12-17. Review status: criteria provided, single submitter. Criteria: ACMG Guidelines, 2015. Collection method: clinical testing. Allele origin: germline.
Comment: The WDPCP c.1907T>G variant is predicted to result in the amino acid substitution p.Phe636Cys. To our knowledge, this variant has not been reported in the literature. This variant is reported in 0.011% of alleles in individuals of African descent in gnomAD. At this time, the clinical significance of this variant is uncertain due to the absence of conclusive functional and genetic evidence.

NM_015910.7(WDPCP):c.1748+18468T>G

Gene: WDPCP (WD repeat containing planar cell polarity effector; minus strand). Cytogenetic location: 2p15.
Variant type: single nucleotide variant.
Coding change: c.1748+18468T>G on transcript NM_015910.7 (MANE Select); 18468 bases into the intron after coding-DNA position 1748, T replaced by G.
Molecular consequence: intron variant. On other transcripts: missense variant (1).
Genome position (GRCh38, 1-based): chr2:63,359,918, A>C on the plus strand (T>G on the coding strand, the complement: WDPCP is on the minus strand). VCF-style: chr2-63359918-A-C. GRCh37 (hg19) VCF-style: chr2-63587053-A-C.
Other names: c.1907T>G, p.Phe636Cys (NM_001354045.2); c.1676+18468T>G (NM_001354044.2); c.1271+18468T>G (NM_001042692.3); short protein forms F636C.
Identifiers: ClinVar variation 4987444 (VCV004987444.1).
Genomic context (GRCh38, chr2:63,359,918, plus strand): 5'-ATCACAAGGTAAGGAGTTCAAGACCAGCCTGGCCAACATGGTGAAATCCCATCTCTACTA[A>C]AAACAACAAAAATTAGCTGGGTGTGGTGGCACATGCCAGTGGTCCCAGCTACTCGGGAGG-3'